The following is an entry in ClinVar:

NM_000350.3(ABCA4):c.1921T>C (p.Cys641Arg)

Gene: ABCA4 (ATP binding cassette subfamily A member 4; minus strand). Cytogenetic location: 1p22.1.
Variant type: single nucleotide variant.
Coding change: c.1921T>C on transcript NM_000350.3 (MANE Select); coding-DNA position 1921, T replaced by C.
Protein change: p.Cys641Arg; replaces cysteine 641 with arginine.
Molecular consequence: missense variant.
Genome position (GRCh38, 1-based): chr1:94,062,593, A>G on the plus strand (T>C on the coding strand, the complement: ABCA4 is on the minus strand). VCF-style: chr1-94062593-A-G. GRCh37 (hg19) VCF-style: chr1-94528149-A-G.
Other names: c.1921T>C, p.Cys641Arg (NM_001425324.1); short protein forms C641R.
Identifiers: ClinVar variation 852747 (VCV000852747.9), dbSNP rs1661159038, ClinGen allele CA341279251.

ClinVar aggregate classification (germline): Uncertain significance (1 of 4 stars; one submission).

Submission:

Labcorp Genetics (formerly Invitae), Labcorp
Classification: Uncertain significance. Last evaluated: 2022-02-10. Review status: criteria provided, single submitter. Criteria: Invitae Variant Classification Sherloc (09022015). Collection method: clinical testing. Allele origin: germline.
Comment: In summary, the available evidence is currently insufficient to determine the role of this variant in disease. Therefore, it has been classified as a Variant of Uncertain Significance. Advanced modeling of protein sequence and biophysical properties (such as structural, functional, and spatial information, amino acid conservation, physicochemical variation, residue mobility, and thermodynamic stability) performed at Invitae indicates that this missense variant is expected to disrupt ABCA4 protein function. ClinVar contains an entry for this variant (Variation ID: 852747). This variant has not been reported in the literature in individuals affected with ABCA4-related conditions. This variant is not present in population databases (gnomAD no frequency). This sequence change replaces cysteine, which is neutral and slightly polar, with arginine, which is basic and polar, at codon 641 of the ABCA4 protein (p.Cys641Arg).